The following is an entry in ClinVar:

ClinVar aggregate classification (germline): Uncertain significance. Review status: criteria provided, multiple submitters, no conflicts (2 of 4 stars). 2 submissions from 2 submitters: Uncertain significance (2). Last evaluated 2022-11-18.

Conditions:
Inborn genetic diseases. Identifiers: MedGen C0950123, MeSH D030342.

Allele frequency attached by ClinVar (database versions not stated): TOPMed 0.00001.

Submissions (2):

Ambry Genetics
Classification: Uncertain significance for Inborn genetic diseases. Last evaluated: 2022-11-18. Review status: criteria provided, single submitter. Criteria: Ambry Variant Classification Scheme 2023. Collection method: clinical testing. Allele origin: germline.

Labcorp Genetics (formerly Invitae), Labcorp
Classification: Uncertain significance. Last evaluated: 2022-06-27. Review status: criteria provided, single submitter. Criteria: Invitae Variant Classification Sherloc (09022015). Collection method: clinical testing. Allele origin: germline.
Comment: Advanced modeling of protein sequence and biophysical properties (such as structural, functional, and spatial information, amino acid conservation, physicochemical variation, residue mobility, and thermodynamic stability) performed at Invitae indicates that this missense variant is not expected to disrupt GRM6 protein function. This variant has not been reported in the literature in individuals affected with GRM6-related conditions. This variant is not present in population databases (gnomAD no frequency). This sequence change replaces leucine, which is neutral and non-polar, with proline, which is neutral and non-polar, at codon 137 of the GRM6 protein (p.Leu137Pro). In summary, the available evidence is currently insufficient to determine the role of this variant in disease. Therefore, it has been classified as a Variant of Uncertain Significance.

NM_000843.4(GRM6):c.410T>C (p.Leu137Pro)

Gene: GRM6 (glutamate metabotropic receptor 6; minus strand). Cytogenetic location: 5q35.3.
Variant type: single nucleotide variant.
Coding change: c.410T>C on transcript NM_000843.4 (MANE Select); coding-DNA position 410, T replaced by C.
Protein change: p.Leu137Pro; replaces leucine 137 with proline.
Molecular consequence: missense variant.
Genome position (GRCh38, 1-based): chr5:178,994,535, A>G on the plus strand (T>C on the coding strand, the complement: GRM6 is on the minus strand). VCF-style: chr5-178994535-A-G. GRCh37 (hg19) VCF-style: chr5-178421536-A-G.
Other names: c.410T>C (NM_000843.3); short protein forms L137P.
Identifiers: ClinVar variation 1405043 (VCV001405043.8), dbSNP rs981591595, ClinGen allele CA133032056.